The following is an entry in ClinVar:

NM_001267550.2(TTN):c.20142C>T (p.Tyr6714=)

Genes: TTN (titin; minus strand), LOC126806429 (BRD4-independent group 4 enhancer GRCh37_chr2:179591393-179592592; plus strand). Cytogenetic location: 2q31.2.
Variant type: single nucleotide variant.
Coding change: c.20142C>T on transcript NM_001267550.2 (MANE Select); coding-DNA position 20142, C replaced by T.
Protein change: p.Tyr6714=; no amino-acid change (tyrosine 6714 retained).
Molecular consequence: synonymous variant. On other transcripts: intron variant (3).
Genome position (GRCh38, 1-based): chr2:178,727,223, G>A on the plus strand (C>T on the coding strand, the complement: TTN is on the minus strand). VCF-style: chr2-178727223-G-A. GRCh37 (hg19) VCF-style: chr2-179591950-G-A.
Other names: c.16410C>T, p.Tyr5470= (NM_133378.4); c.19191C>T, p.Tyr6397= (NM_001256850.1); c.13282+10859C>T (NM_003319.4); c.13858+10859C>T (NM_133437.4); c.13657+10859C>T (NM_133432.3).
Identifiers: ClinVar variation 179925 (VCV000179925.25), dbSNP rs535793314, ClinGen allele CA185441.

ClinVar aggregate classification (germline): Benign/Likely benign. Review status: criteria provided, multiple submitters, no conflicts (2 of 4 stars). 8 submissions from 5 submitters: Benign (5); Likely benign (3). Last evaluated 2025-11-27.

Conditions:
Dilated cardiomyopathy 1G (CMD1G). Identifiers: Orphanet 154, MedGen C1858763, MONDO:0011400, OMIM 604145.
Autosomal recessive limb-girdle muscular dystrophy type 2J (LGMDR10). Also called: Limb-girdle muscular dystrophy, type 2J; MUSCULAR DYSTROPHY, LIMB-GIRDLE, AUTOSOMAL RECESSIVE 10. Identifiers: Orphanet 140922, MedGen C1837342, MONDO:0012127, OMIM 608807.
Myopathy, myofibrillar, 9, with early respiratory failure (MFM9). Also called: EDSTROM MYOPATHY; MYOPATHY, PROXIMAL, WITH EARLY RESPIRATORY MUSCLE INVOLVEMENT; Hereditary myopathy with early respiratory failure; Myopathy, distal, with early respiratory failure, autosomal dominant. Identifiers: Orphanet 178464, Orphanet 34521, MedGen C1863599, MONDO:0011362, OMIM 603689.
Tibial muscular dystrophy (TMD). Also called: Udd Distal Myopathy – Tibial Muscular Dystrophy; Tibial muscular dystrophy, tardive; UDD MYOPATHY. Identifiers: Orphanet 609, MedGen C1838244, MONDO:0010870, OMIM 600334.
Early-onset myopathy with fatal cardiomyopathy (CMYO5). Also called: CONGENITAL MYOPATHY 5 WITH CARDIOMYOPATHY; Salih Myopathy. Identifiers: Orphanet 289377, MedGen C2673677, MONDO:0012714, OMIM 611705. Disease mechanism: loss of function.

Allele frequency attached by ClinVar (database versions not stated): gnomAD exomes 0.00022 and 0.00058; ExAC 0.00069; 1000 Genomes Project 30x 0.00172; 1000 Genomes Project 0.00200; gnomAD below 0.00001 and 0.00009; TOPMed 0.00001.
gnomAD v4.1: 342 of 1,613,222 alleles (0.021%); highest among the groups gnomAD compares: South Asian, 0.35%; 5 homozygotes.

Submissions (8):

Labcorp Genetics (formerly Invitae), Labcorp
Classification: Benign for Dilated cardiomyopathy 1G; Autosomal recessive limb-girdle muscular dystrophy type 2J. Last evaluated: 2025-11-27. Review status: criteria provided, single submitter. Criteria: Invitae Variant Classification Sherloc (09022015). Collection method: clinical testing. Allele origin: germline.

CeGaT Center for Human Genetics Tuebingen
Classification: Likely benign. Last evaluated: 2025-10-01. Review status: criteria provided, single submitter. Criteria: CeGaT Center For Human Genetics Tuebingen Variant Classification Criteria Version 2. Collection method: clinical testing. Allele origin: germline. Affected: yes. Observed: 2 variant alleles.
Comment: TTN: BP4, BP7

Blueprint Genetics
Classification: Likely benign. Last evaluated: 2024-07-02. Review status: criteria provided, single submitter. Criteria: ACMG Guidelines, 2015. Collection method: clinical testing. Allele origin: germline.

Genome-Nilou Lab
Classification: Benign for Autosomal recessive limb-girdle muscular dystrophy type 2J. Last evaluated: 2021-09-10. Review status: criteria provided, single submitter. Criteria: ACMG Guidelines, 2015. Collection method: clinical testing. Allele origin: germline. Affected: no.

Genome-Nilou Lab
Classification: Benign for Myopathy, myofibrillar, 9, with early respiratory failure. Last evaluated: 2021-09-10. Review status: criteria provided, single submitter. Criteria: ACMG Guidelines, 2015. Collection method: clinical testing. Allele origin: germline. Affected: no.

Genome-Nilou Lab
Classification: Benign for Early-onset myopathy with fatal cardiomyopathy. Last evaluated: 2021-09-10. Review status: criteria provided, single submitter. Criteria: ACMG Guidelines, 2015. Collection method: clinical testing. Allele origin: germline. Affected: no.

Genome-Nilou Lab
Classification: Benign for Tibial muscular dystrophy. Last evaluated: 2021-09-10. Review status: criteria provided, single submitter. Criteria: ACMG Guidelines, 2015. Collection method: clinical testing. Allele origin: germline. Affected: no.

Laboratory for Molecular Medicine, Mass General Brigham Personalized Medicine
Classification: Likely benign. Last evaluated: 2014-08-13. Review status: criteria provided, single submitter. Criteria: LMM Criteria. Collection method: clinical testing. Allele origin: germline. Observed: 1 variant allele.
Comment: Tyr5470Tyr in exon 66 of TTN: This variant is not expected to have clinical sign ificance because it does not alter an amino acid residue and is not located with in the splice consensus sequence.